The following is an entry in ClinVar:

NM_182961.4(SYNE1):c.2220G>A (p.Met740Ile)

Gene: SYNE1 (spectrin repeat containing nuclear envelope protein 1; minus strand). Cytogenetic location: 6q25.2.
Variant type: single nucleotide variant.
Coding change: c.2220G>A on transcript NM_182961.4 (MANE Select); coding-DNA position 2220, G replaced by A.
Protein change: p.Met740Ile; replaces methionine 740 with isoleucine.
Molecular consequence: missense variant.
Genome position (GRCh38, 1-based): chr6:152,462,768, C>T on the plus strand (G>A on the coding strand, the complement: SYNE1 is on the minus strand). VCF-style: chr6-152462768-C-T. GRCh37 (hg19) VCF-style: chr6-152783903-C-T.
Other names: p.Met747Ile; c.2241G>A, p.Met747Ile (NM_033071.5); short protein forms M740I, M747I.
Identifiers: ClinVar variation 355936 (VCV000355936.50), dbSNP rs146001055, ClinGen allele CA4059195.

ClinVar aggregate classification (germline): Benign/Likely benign. Review status: criteria provided, multiple submitters, no conflicts (2 of 4 stars). 9 submissions from 8 submitters: Benign (6); Likely benign (2). 1 of the submissions does not count toward it. Last evaluated 2026-05-01.

Conditions:
SYNE1-related disorder. Also called: SYNE1-related disease; SYNE1-related condition; SYNE1-related disorders.
Autosomal recessive ataxia, Beauce type. Also called: SYNE1 Deficiency; ATAXIA, RECESSIVE, OF BEAUCE; SYNE1-Related Autosomal Recessive Cerebellar Ataxia; Spinocerebellar ataxia, autosomal recessive 8. Identifiers: Orphanet 88644, MedGen C1853116, MONDO:0012549, OMIM 610743.
Emery-Dreifuss muscular dystrophy 4, autosomal dominant (EDMD4). Also called: EMERY-DREIFUSS MUSCULAR DYSTROPHY 4 WITH VARIABLE FEATURES. Identifiers: Orphanet 261, MedGen C2751807, MONDO:0013071, OMIM 612998.

Allele frequency attached by ClinVar (database versions not stated): gnomAD exomes 0.00033 and 0.00094; ExAC 0.00130; gnomAD 0.00377 and 0.00412; ESP Exome Variant Server 0.00461; TOPMed 0.00467; 1000 Genomes Project 30x 0.00515; 1000 Genomes Project 0.00519.
gnomAD v4.1: 1,083 of 1,613,996 alleles (0.067%); highest among the groups gnomAD compares: African/African-American, 1.3%; 9 homozygotes.

Submissions (9):

CeGaT Center for Human Genetics Tuebingen
Classification: Likely benign. Last evaluated: 2026-05-01. Review status: criteria provided, single submitter. Criteria: CeGaT Center For Human Genetics Tuebingen Variant Classification Criteria Version 2. Collection method: clinical testing. Allele origin: germline. Affected: yes. Observed: 2 variant alleles.
Comment: SYNE1: BP4, BS1

Labcorp Genetics (formerly Invitae), Labcorp
Classification: Benign for Emery-Dreifuss muscular dystrophy 4, autosomal dominant; Autosomal recessive ataxia, Beauce type. Last evaluated: 2025-12-23. Review status: criteria provided, single submitter. Criteria: Invitae Variant Classification Sherloc (09022015). Collection method: clinical testing. Allele origin: germline.

Blueprint Genetics
Classification: Likely benign. Last evaluated: 2024-11-11. Review status: criteria provided, single submitter. Criteria: ACMG Guidelines, 2015. Collection method: clinical testing. Allele origin: germline.

Mayo Clinic Laboratories, Mayo Clinic
Classification: Benign. Last evaluated: 2024-09-16. Review status: criteria provided, single submitter. Criteria: ACMG Guidelines, 2015. Collection method: clinical testing. Allele origin: germline. Observed: 3 variant alleles.
Comment: BA1, BS2, BP4

Athena Diagnostics
Classification: Benign. Last evaluated: 2018-10-30. Review status: criteria provided, single submitter. Criteria: Athena Diagnostics Criteria. Collection method: clinical testing. Allele origin: germline.

GeneDx
Classification: Benign. Last evaluated: 2018-09-18. Review status: criteria provided, single submitter. Criteria: GeneDx Variant Classification Process June 2021. Collection method: clinical testing. Allele origin: germline. Affected: yes.

Illumina Laboratory Services, Illumina
Classification: Benign for Autosomal recessive ataxia, Beauce type. Last evaluated: 2018-01-12. Review status: criteria provided, single submitter. Criteria: ICSL Variant Classification Criteria 13 December 2019. Collection method: clinical testing. Allele origin: germline.
Comment: This variant was observed in the ICSL laboratory as part of a predisposition screen in an ostensibly healthy population. It had not been previously curated by ICSL or reported in the Human Gene Mutation Database (HGMD: prior to June 1st, 2018), and was therefore a candidate for classification through an automated scoring system. Utilizing variant allele frequency, disease prevalence and penetrance estimates, and inheritance mode, an automated score was calculated to assess if this variant is too frequent to cause the disease. Based on the score and internal cut-off values, a variant classified as benign is not then subjected to further curation. The score for this variant resulted in a classification of benign for this disease.

Illumina Laboratory Services, Illumina
Classification: Benign for Emery-Dreifuss muscular dystrophy 4, autosomal dominant. Last evaluated: 2018-01-12. Review status: criteria provided, single submitter. Criteria: ICSL Variant Classification Criteria 13 December 2019. Collection method: clinical testing. Allele origin: germline.
Comment: the same text as in the submission from Illumina Laboratory Services, Illumina above.

PreventionGenetics, part of Exact Sciences
Classification: Benign for SYNE1-related condition. Last evaluated: 2019-05-02. Review status: no assertion criteria provided. Collection method: clinical testing. Allele origin: germline. Not counted in ClinVar's aggregate classification.
Comment: This variant is classified as benign based on ACMG/AMP sequence variant interpretation guidelines (Richards et al. 2015 PMID: 25741868, with internal and published modifications).